The following is an entry in ClinVar:

ClinVar aggregate classification (germline): Uncertain significance (1 of 4 stars; one submission).

Submission:

GeneDx
Classification: Uncertain significance. Last evaluated: 2023-12-19. Review status: criteria provided, single submitter. Criteria: GeneDx Variant Classification Process June 2021. Collection method: clinical testing. Allele origin: germline. Affected: yes.
Comment: Not observed at significant frequency in large population cohorts (gnomAD); In silico analysis supports that this missense variant has a deleterious effect on protein structure/function; Has not been previously published as pathogenic or benign to our knowledge

NM_207037.2(TCF12):c.19C>T (p.Arg7Cys)

Gene: TCF12 (transcription factor 12; plus strand). Cytogenetic location: 15q21.3.
Variant type: single nucleotide variant.
Coding change: c.19C>T on transcript NM_207037.2 (MANE Select); coding-DNA position 19, C replaced by T.
Protein change: p.Arg7Cys; replaces arginine 7 with cysteine.
Molecular consequence: missense variant. On other transcripts: 5 prime UTR variant (3).
Genome position (GRCh38, 1-based): chr15:56,919,932, C>T. VCF-style: chr15-56919932-C-T. GRCh37 (hg19) VCF-style: chr15-57212130-C-T.
Other names: c.19C>T, p.Arg7Cys (NM_001322151.2, NM_001322152.2, NM_001322157.3 and 8 more transcripts); c.-634C>T (NM_001322154.2); c.-218C>T (NM_001322156.2, NM_001322158.2); short protein forms R7C.
Identifiers: ClinVar variation 3370118 (VCV003370118.1).